The following is an entry in ClinVar:

ClinVar aggregate classification (germline): Uncertain significance (1 of 4 stars; one submission).

gnomAD v4.1: 8 of 1,613,620 alleles (0.0005%); highest among the groups gnomAD compares: Middle Eastern, 0.016%; no homozygotes.

Submission:

Labcorp Genetics (formerly Invitae), Labcorp
Classification: Uncertain significance. Last evaluated: 2022-02-03. Review status: criteria provided, single submitter. Criteria: Invitae Variant Classification Sherloc (09022015). Collection method: clinical testing. Allele origin: germline.
Comment: In summary, the available evidence is currently insufficient to determine the role of this variant in disease. Therefore, it has been classified as a Variant of Uncertain Significance. Variants that disrupt the consensus splice site are a relatively common cause of aberrant splicing (PMID: 17576681, 9536098). Experimental studies and prediction algorithms are not available or were not evaluated, and the effect of this variant on mRNA splicing is currently unknown. This sequence change falls in intron 58 of the CDH23 gene. It does not directly change the encoded amino acid sequence of the CDH23 protein. It affects a nucleotide within the consensus splice site. This variant has not been reported in the literature in individuals affected with CDH23-related conditions. This variant is present in population databases (no rsID available, gnomAD 0.009%).

Literature cited by the submitters: PubMed 17576681; PubMed 9536098.

NM_022124.6(CDH23):c.8308+4G>A

Gene: CDH23 (cadherin related 23; plus strand). Cytogenetic location: 10q22.1.
Variant type: single nucleotide variant.
Coding change: c.8308+4G>A on transcript NM_022124.6 (MANE Select); 4 bases into the intron after coding-DNA position 8308, G replaced by A.
Molecular consequence: intron variant.
Genome position (GRCh38, 1-based): chr10:71,807,410, G>A. VCF-style: chr10-71807410-G-A. GRCh37 (hg19) VCF-style: chr10-73567167-G-A.
Other names: c.1588+4G>A (NM_001171933.1, NM_001171934.1).
Identifiers: ClinVar variation 2418609 (VCV002418609.6), dbSNP rs751021859, ClinGen allele CA209436800.